The following is an entry in ClinVar:

NM_003200.5(TCF3):c.434G>A (p.Gly145Glu)

Gene: TCF3 (transcription factor 3; minus strand). Cytogenetic location: 19p13.3.
Variant type: single nucleotide variant.
Coding change: c.434G>A on transcript NM_003200.5 (MANE Select); coding-DNA position 434, G replaced by A.
Protein change: p.Gly145Glu; replaces glycine 145 with glutamic acid.
Molecular consequence: missense variant.
Genome position (GRCh38, 1-based): chr19:1,625,641, C>T on the plus strand (G>A on the coding strand, the complement: TCF3 is on the minus strand). VCF-style: chr19-1625641-C-T. GRCh37 (hg19) VCF-style: chr19-1625640-C-T.
Other names: c.434G>A, p.Gly145Glu (NM_001136139.4, NM_001351778.2, NM_001351779.2); short protein forms G145E.
Identifiers: ClinVar variation 3616161 (VCV003616161.2).

ClinVar aggregate classification (germline): Uncertain significance (1 of 4 stars; one submission).

gnomAD v4.1: 29 of 1,547,488 alleles (0.0019%); highest among the groups gnomAD compares: Non-Finnish European, 0.0025%; no homozygotes.

Submission:

Labcorp Genetics (formerly Invitae), Labcorp
Classification: Uncertain significance. Last evaluated: 2024-02-20. Review status: criteria provided, single submitter. Criteria: Invitae Variant Classification Sherloc (09022015). Collection method: clinical testing. Allele origin: germline.
Comment: This sequence change replaces glycine, which is neutral and non-polar, with glutamic acid, which is acidic and polar, at codon 145 of the TCF3 protein (p.Gly145Glu). The frequency data for this variant in the population databases is considered unreliable, as metrics indicate poor data quality at this position in the gnomAD database. This variant has not been reported in the literature in individuals affected with TCF3-related conditions. Advanced modeling of protein sequence and biophysical properties (such as structural, functional, and spatial information, amino acid conservation, physicochemical variation, residue mobility, and thermodynamic stability) performed at Invitae indicates that this missense variant is not expected to disrupt TCF3 protein function with a negative predictive value of 80%. In summary, the available evidence is currently insufficient to determine the role of this variant in disease. Therefore, it has been classified as a Variant of Uncertain Significance.